The following is an entry in ClinVar:

ClinVar aggregate classification (germline): Uncertain significance (1 of 4 stars; one submission).

Conditions:
Cardiovascular phenotype. Identifiers: MedGen CN230736.

Allele frequency attached by ClinVar (database versions not stated): TOPMed 0.00001.
gnomAD v4.1: 1 of 1,614,076 alleles (0.000062%); highest among the groups gnomAD compares: Non-Finnish European, 0.000085%; no homozygotes.

Submission:

Ambry Genetics
Classification: Uncertain significance for Cardiovascular phenotype. Last evaluated: 2023-12-14. Review status: criteria provided, single submitter. Criteria: Ambry Variant Classification Scheme 2023. Collection method: clinical testing. Allele origin: germline.
Comment: The p.V2351M variant (also known as c.7051G>A), located in coding exon 42 of the FLNC gene, results from a G to A substitution at nucleotide position 7051. The valine at codon 2351 is replaced by methionine, an amino acid with highly similar properties. This amino acid position is conserved. In addition, this alteration is predicted to be deleterious by in silico analysis. Since supporting evidence is limited at this time, the clinical significance of this alteration remains unclear.

NM_001458.5(FLNC):c.7051G>A (p.Val2351Met)

Genes: FLNC (filamin C; plus strand), FLNC-AS1 (FLNC antisense RNA 1; minus strand). Cytogenetic location: 7q32.1.
Variant type: single nucleotide variant.
Coding change: c.7051G>A on transcript NM_001458.5 (MANE Select); coding-DNA position 7051, G replaced by A.
Protein change: p.Val2351Met; replaces valine 2351 with methionine.
Molecular consequence: missense variant.
Genome position (GRCh38, 1-based): chr7:128,854,828, G>A. VCF-style: chr7-128854828-G-A. GRCh37 (hg19) VCF-style: chr7-128494882-G-A.
Other names: c.6952G>A, p.Val2318Met (NM_001127487.2); short protein forms V2318M, V2351M.
Identifiers: ClinVar variation 3221753 (VCV003221753.1), dbSNP rs907468011, ClinGen allele CA166193023.